The following is an entry in ClinVar:

NM_001142864.4(PIEZO1):c.3541C>T (p.Arg1181Cys)

Gene: PIEZO1 (piezo type mechanosensitive ion channel component 1 (Er blood group); minus strand). Cytogenetic location: 16q24.3.
Variant type: single nucleotide variant.
Coding change: c.3541C>T on transcript NM_001142864.4 (MANE Select); coding-DNA position 3541, C replaced by T.
Protein change: p.Arg1181Cys; replaces arginine 1181 with cysteine.
Molecular consequence: missense variant.
Genome position (GRCh38, 1-based): chr16:88,726,873, G>A on the plus strand (C>T on the coding strand, the complement: PIEZO1 is on the minus strand). VCF-style: chr16-88726873-G-A. GRCh37 (hg19) VCF-style: chr16-88793281-G-A.
Other names: p.Arg1181Cys; c.2083C>T, p.Arg695Cys (NM_014745.1); short protein forms R1181C, R695C.
Identifiers: ClinVar variation 3212668 (VCV003212668.5), dbSNP rs774583059, ClinGen allele CA8232455.

ClinVar aggregate classification (germline): Conflicting classifications of pathogenicity. Review status: criteria provided, conflicting classifications (1 of 4 stars). 4 submissions from 4 submitters: Uncertain significance (3); Benign (1). Last evaluated 2025-12-09.

Conditions:
Inborn genetic diseases. Identifiers: MedGen C0950123, MeSH D030342.

Allele frequency attached by ClinVar (database versions not stated): ExAC 0.00005; gnomAD 0.00014; TOPMed 0.00018.
gnomAD v4.1: 49 of 1,550,260 alleles (0.0032%); highest among the groups gnomAD compares: African/African-American, 0.047%; no homozygotes.

Submissions (4):

Women's Health and Genetics/Laboratory Corporation of America, LabCorp
Classification: Uncertain significance. Last evaluated: 2025-12-09. Review status: criteria provided, single submitter. Criteria: LabCorp Variant Classification Summary - May 2015. Collection method: clinical testing. Allele origin: germline.
Comment: Variant summary: PIEZO1 c.3541C>T (p.Arg1181Cys) results in a non-conservative amino acid change in the encoded protein sequence. Algorithms developed to predict the effect of missense changes on protein structure and function are either unavailable or do not agree on the potential impact of this missense change. The variant allele was found at a frequency of 4.5e-05 in 155278 control chromosomes. The available data on variant occurrences in the general population are insufficient to allow any conclusion about variant significance. To our knowledge, no occurrence of c.3541C>T in individuals affected with PIEZO1-related conditions and no experimental evidence demonstrating its impact on protein function have been reported. ClinVar contains an entry for this variant (Variation ID: 3212668). Based on the evidence outlined above, the variant was classified as uncertain significance.

Labcorp Genetics (formerly Invitae), Labcorp
Classification: Benign. Last evaluated: 2025-03-27. Review status: criteria provided, single submitter. Criteria: Invitae Variant Classification Sherloc (09022015). Collection method: clinical testing. Allele origin: germline.

Mayo Clinic Laboratories, Mayo Clinic
Classification: Uncertain significance. Last evaluated: 2024-10-01. Review status: criteria provided, single submitter. Criteria: ACMG Guidelines, 2015. Collection method: clinical testing. Allele origin: germline. Observed: 1 variant allele.
Comment: PM2_supporting

Ambry Genetics
Classification: Uncertain significance for Inborn genetic diseases. Last evaluated: 2024-02-28. Review status: criteria provided, single submitter. Criteria: Ambry Variant Classification Scheme 2023. Collection method: clinical testing. Allele origin: germline.